The following is an entry in ClinVar:

ClinVar aggregate classification (germline): Uncertain significance (1 of 4 stars; one submission).

Allele frequency attached by ClinVar (database versions not stated): ExAC 0.00003.
gnomAD v4.1: 20 of 1,612,938 alleles (0.0012%); highest among the groups gnomAD compares: Middle Eastern, 0.016%; no homozygotes.

Submission:

Labcorp Genetics (formerly Invitae), Labcorp
Classification: Uncertain significance. Last evaluated: 2022-11-01. Review status: criteria provided, single submitter. Criteria: Invitae Variant Classification Sherloc (09022015). Collection method: clinical testing. Allele origin: germline.
Comment: This sequence change replaces arginine, which is basic and polar, with histidine, which is basic and polar, at codon 178 of the CD151 protein (p.Arg178His). In summary, the available evidence is currently insufficient to determine the role of this variant in disease. Therefore, it has been classified as a Variant of Uncertain Significance. Algorithms developed to predict the effect of missense changes on protein structure and function (SIFT, PolyPhen-2, Align-GVGD) all suggest that this variant is likely to be disruptive. This variant has not been reported in the literature in individuals affected with CD151-related conditions. This variant is present in population databases (rs779114765, gnomAD 0.01%).

NM_004357.5(CD151):c.533G>A (p.Arg178His)

Gene: CD151 (CD151 molecule (Raph blood group); plus strand). Cytogenetic location: 11p15.5.
Variant type: single nucleotide variant.
Coding change: c.533G>A on transcript NM_004357.5 (MANE Select); coding-DNA position 533, G replaced by A.
Protein change: p.Arg178His; replaces arginine 178 with histidine.
Molecular consequence: missense variant.
Genome position (GRCh38, 1-based): chr11:837,536, G>A. VCF-style: chr11-837536-G-A. GRCh37 (hg19) VCF-style: chr11-837536-G-A.
Other names: c.533G>A, p.Arg178His (NM_001039490.2, NM_139029.2, NM_139030.4); short protein forms R178H.
Identifiers: ClinVar variation 2048314 (VCV002048314.4), dbSNP rs779114765, ClinGen allele CA5792253.